The following is an entry in ClinVar:

NM_001205293.3(CACNA1E):c.6470G>A (p.Arg2157Gln)

Gene: CACNA1E (calcium voltage-gated channel subunit alpha1 E; plus strand). Cytogenetic location: 1q25.3.
Variant type: single nucleotide variant.
Coding change: c.6470G>A on transcript NM_001205293.3 (MANE Select); coding-DNA position 6470, G replaced by A.
Protein change: p.Arg2157Gln; replaces arginine 2157 with glutamine.
Molecular consequence: missense variant.
Genome position (GRCh38, 1-based): chr1:181,798,362, G>A. VCF-style: chr1-181798362-G-A. GRCh37 (hg19) VCF-style: chr1-181767498-G-A.
Other names: c.6341G>A, p.Arg2114Gln (NM_000721.4); c.6284G>A, p.Arg2095Gln (NM_001205294.2); c.6470G>A (NM_001205293.1); short protein forms R2095Q, R2114Q, R2157Q.
Identifiers: ClinVar variation 1091046 (VCV001091046.49), dbSNP rs2480373, ClinGen allele CA1276418.

ClinVar aggregate classification (germline): Benign/Likely benign. Review status: criteria provided, multiple submitters, no conflicts (2 of 4 stars). 9 submissions from 9 submitters: Benign (1); Likely benign (5). 3 of the submissions do not count toward it. Last evaluated 2026-08-01.

Conditions:
CACNA1E-related disorder. Also called: CACNA1E-related condition.
Inborn genetic diseases. Identifiers: MedGen C0950123, MeSH D030342.
Developmental and epileptic encephalopathy, 69. Also called: EPILEPTIC ENCEPHALOPATHY, EARLY INFANTILE, 69. Identifiers: MedGen C4748988, MONDO:0032657, OMIM 618285.

Allele frequency attached by ClinVar (database versions not stated): 1000 Genomes Project 30x 0.00016; 1000 Genomes Project 0.00020; gnomAD exomes 0.00045; ExAC 0.00047; TOPMed 0.00049; gnomAD 0.00055 and 0.00057; ESP Exome Variant Server 0.00097.
gnomAD v4.1: 1,308 of 1,611,754 alleles (0.081%); highest among the groups gnomAD compares: Middle Eastern, 0.13%; no homozygotes.

Submissions (9):

CeGaT Center for Human Genetics Tuebingen
Classification: Likely benign. Last evaluated: 2026-08-01. Review status: criteria provided, single submitter. Criteria: CeGaT Center For Human Genetics Tuebingen Variant Classification Criteria Version 2. Collection method: clinical testing. Allele origin: germline. Affected: yes. Observed: 6 variant alleles.
Comment: CACNA1E: BS1

Labcorp Genetics (formerly Invitae), Labcorp
Classification: Likely benign. Last evaluated: 2025-12-21. Review status: criteria provided, single submitter. Criteria: Invitae Variant Classification Sherloc (09022015). Collection method: clinical testing. Allele origin: germline.

Blueprint Genetics
Classification: Likely benign. Last evaluated: 2024-10-31. Review status: criteria provided, single submitter. Criteria: ACMG Guidelines, 2015. Collection method: clinical testing. Allele origin: germline.

Genome-Nilou Lab
Classification: Likely benign for Developmental and epileptic encephalopathy, 69. Last evaluated: 2023-04-11. Review status: criteria provided, single submitter. Criteria: ACMG Guidelines, 2015. Collection method: clinical testing. Allele origin: germline. Affected: no.

Ambry Genetics
Classification: Likely benign for Inborn genetic diseases. Last evaluated: 2022-10-25. Review status: criteria provided, single submitter. Criteria: Ambry Variant Classification Scheme 2023. Collection method: clinical testing. Allele origin: germline.

GeneDx
Classification: Benign. Last evaluated: 2021-04-06. Review status: criteria provided, single submitter. Criteria: GeneDx Variant Classification Process June 2021. Collection method: clinical testing. Allele origin: germline. Affected: yes.

PreventionGenetics, part of Exact Sciences
Classification: Likely benign for CACNA1E-related condition. Last evaluated: 2022-07-19. Review status: no assertion criteria provided. Collection method: clinical testing. Allele origin: germline. Not counted in ClinVar's aggregate classification.
Comment: This variant is classified as likely benign based on ACMG/AMP sequence variant interpretation guidelines (Richards et al. 2015 PMID: 25741868, with internal and published modifications).

Clinical Genetics DNA and cytogenetics Diagnostics Lab, Erasmus MC, Erasmus Medical Center
Classification: Uncertain significance. Review status: no assertion criteria provided. Collection method: clinical testing. Allele origin: germline. Affected: yes. Study: VKGL Data-share Consensus. Not counted in ClinVar's aggregate classification.

Diagnostic Laboratory, Department of Genetics, University Medical Center Groningen
Classification: Uncertain significance. Review status: no assertion criteria provided. Collection method: clinical testing. Allele origin: germline. Affected: yes. Study: VKGL Data-share Consensus. Not counted in ClinVar's aggregate classification.